The following is an entry in ClinVar:

ClinVar aggregate classification (germline): Uncertain significance. Review status: criteria provided, multiple submitters, no conflicts (2 of 4 stars). 2 submissions from 2 submitters: Uncertain significance (2). Last evaluated 2024-01-11.

Conditions:
Hereditary cancer-predisposing syndrome. Also called: Hereditary neoplastic syndrome; Neoplastic Syndromes, Hereditary; Tumor predisposition; Hereditary Cancer Syndrome. Identifiers: Orphanet 140162, MedGen C0027672, MeSH D009386, MONDO:0015356.
Multiple endocrine neoplasia, type 1 (MEN1). Also called: MEN I; WERMER SYNDROME; Endocrine adenomatosis multiple; MEN 1; MEA I. Identifiers: Orphanet 652, MedGen C0025267, MeSH D018761, MONDO:0007540, OMIM 131100.

Submissions (2):

Ambry Genetics
Classification: Uncertain significance for Hereditary cancer-predisposing syndrome. Last evaluated: 2024-01-11. Review status: criteria provided, single submitter. Criteria: Ambry Variant Classification Scheme 2023. Collection method: clinical testing. Allele origin: germline.
Comment: The p.A542V variant (also known as c.1625C>T), located in coding exon 9 of the MEN1 gene, results from a C to T substitution at nucleotide position 1625. The alanine at codon 542 is replaced by valine, an amino acid with similar properties. This amino acid position is conserved. In addition, the in silico prediction for this alteration is inconclusive. Since supporting evidence is limited at this time, the clinical significance of this alteration remains unclear.

Labcorp Genetics (formerly Invitae), Labcorp
Classification: Uncertain significance for Multiple endocrine neoplasia, type 1. Last evaluated: 2020-02-24. Review status: criteria provided, single submitter. Criteria: Invitae Variant Classification Sherloc (09022015). Collection method: clinical testing. Allele origin: germline.
Comment: In summary, the available evidence is currently insufficient to determine the role of this variant in disease. Therefore, it has been classified as a Variant of Uncertain Significance. Algorithms developed to predict the effect of missense changes on protein structure and function output the following: SIFT: "Tolerated"; PolyPhen-2: "Benign"; Align-GVGD: "Class C0". The valine amino acid residue is found in multiple mammalian species, suggesting that this missense change does not adversely affect protein function. These predictions have not been confirmed by published functional studies and their clinical significance is uncertain. This variant has not been reported in the literature in individuals with MEN1-related conditions. This variant is not present in population databases (ExAC no frequency). This sequence change replaces alanine with valine at codon 542 of the MEN1 protein (p.Ala542Val). The alanine residue is moderately conserved and there is a small physicochemical difference between alanine and valine.

NM_001370259.2(MEN1):c.1625C>T (p.Ala542Val)

Gene: MEN1 (menin 1; minus strand). Cytogenetic location: 11q13.1.
Variant type: single nucleotide variant.
Coding change: c.1625C>T on transcript NM_001370259.2 (MANE Select); coding-DNA position 1625, C replaced by T.
Protein change: p.Ala542Val; replaces alanine 542 with valine.
Molecular consequence: missense variant.
Genome position (GRCh38, 1-based): chr11:64,804,542, G>A on the plus strand (C>T on the coding strand, the complement: MEN1 is on the minus strand). VCF-style: chr11-64804542-G-A. GRCh37 (hg19) VCF-style: chr11-64572014-G-A.
Other names: c.1625C>T (NM_130799.2); c.1640C>T, p.Ala547Val (NM_000244.4, NM_130800.3, NM_130801.3 and 3 more transcripts); c.1751C>T, p.Ala584Val (NM_001370251.2); c.1625C>T, p.Ala542Val (NM_001370260.2, NM_001370261.2, NM_130799.3); c.1520C>T, p.Ala507Val (NM_001370262.2, NM_001370263.2); short protein forms A542V, A507V, A547V, A584V.
Identifiers: ClinVar variation 1040938 (VCV001040938.10), dbSNP rs1941511257, ClinGen allele CA381178030.